The following is an entry in ClinVar:

NM_020066.5(FMN2):c.3540T>C (p.Pro1180=)

Gene: FMN2 (formin 2; plus strand). Cytogenetic location: 1q43.
Variant type: single nucleotide variant.
Coding change: c.3540T>C on transcript NM_020066.5 (MANE Select); coding-DNA position 3540, T replaced by C.
Protein change: p.Pro1180=; no amino-acid change (proline 1180 retained).
Molecular consequence: synonymous variant. On other transcripts: intron variant (1).
Genome position (GRCh38, 1-based): chr1:240,208,352, T>C. VCF-style: chr1-240208352-T-C. GRCh37 (hg19) VCF-style: chr1-240371652-T-C.
Other names: c.3552T>C, p.Pro1184= (NM_001305424.2); c.1986+20090T>C (NM_001348094.2).
Identifiers: ClinVar variation 3039926 (VCV003039926.10), dbSNP rs779783516, ClinGen allele CA1477232.

ClinVar aggregate classification (germline): Likely benign. Review status: criteria provided, single submitter (1 of 4 stars). 2 submissions from 2 submitters: Likely benign (1). 1 of the submissions does not count toward it. Last evaluated 2025-06-01.

Conditions:
FMN2-related disorder. Also called: FMN2-related condition.

Allele frequency attached by ClinVar (database versions not stated): ExAC 0.00005; gnomAD 0.00105.

Submissions (2):

CeGaT Center for Human Genetics Tuebingen
Classification: Likely benign. Last evaluated: 2025-06-01. Review status: criteria provided, single submitter. Criteria: CeGaT Center For Human Genetics Tuebingen Variant Classification Criteria Version 2. Collection method: clinical testing. Allele origin: germline. Affected: yes. Observed: 1 variant allele.
Comment: FMN2: BP4, BP7

PreventionGenetics, part of Exact Sciences
Classification: Likely benign for FMN2-related condition. Last evaluated: 2022-03-21. Review status: no assertion criteria provided. Collection method: clinical testing. Allele origin: germline. Not counted in ClinVar's aggregate classification.
Comment: This variant is classified as likely benign based on ACMG/AMP sequence variant interpretation guidelines (Richards et al. 2015 PMID: 25741868, with internal and published modifications).